The following is an entry in ClinVar:

NM_001353214.3(DYM):c.1924T>C (p.Phe642Leu)

Gene: DYM (dymeclin; minus strand). Cytogenetic location: 18q21.1.
Variant type: single nucleotide variant.
Coding change: c.1924T>C on transcript NM_001353214.3 (MANE Select); coding-DNA position 1924, T replaced by C.
Protein change: p.Phe642Leu; replaces phenylalanine 642 with leucine.
Molecular consequence: missense variant. On other transcripts: intron variant (3).
Genome position (GRCh38, 1-based): chr18:49,097,503, A>G on the plus strand (T>C on the coding strand, the complement: DYM is on the minus strand). VCF-style: chr18-49097503-A-G. GRCh37 (hg19) VCF-style: chr18-46623873-A-G.
Other names: c.1756T>C, p.Phe586Leu (NM_001353210.3, NM_001353211.3); c.1921T>C, p.Phe641Leu (NM_001353212.3, NM_001353213.3); c.1741T>C, p.Phe581Leu (NM_001353215.3); c.1576T>C, p.Phe526Leu (NM_001353216.3, NM_001374437.1); c.1924T>C, p.Phe642Leu (NM_001374428.1, NM_001374430.1); c.1918T>C, p.Phe640Leu (NM_001374429.1); c.1798T>C, p.Phe600Leu (NM_001374432.1); c.1759T>C, p.Phe587Leu (NM_001374433.1, NM_017653.6); and 11 more; short protein forms F587L, F581L, F642L, F526L, F586L, F641L, F336L, F396L.
Identifiers: ClinVar variation 326892 (VCV000326892.15), dbSNP rs151034190, ClinGen allele CA8957965.
Genomic context (GRCh38, chr18:49,097,503, plus strand): 5'-TGATTTCCAGGACCCGTTCCACTGACAGCTCAGCTCCAGCTTGCAGCAACCTTGAGCTAA[A>G]GAAGGAGATCACCTGTAATGTAAAGTGTTATTTTTTAAACAAGAAGAGGTATGAAATGTA-3'
Protein context (NP_001340143.1, residues 632-652): MQNIDLVISF[Phe642Leu]SSRLLQAGAE

ClinVar aggregate classification (germline): Conflicting classifications of pathogenicity. Review status: criteria provided, conflicting classifications (1 of 4 stars). 3 submissions from 3 submitters: Uncertain significance (1); Likely benign (2). Last evaluated 2025-08-25.

Conditions:
Inborn genetic diseases. Identifiers: MedGen C0950123, MeSH D030342.

Allele frequency attached by ClinVar (database versions not stated): gnomAD exomes 0.00006 and 0.00035; gnomAD 0.00011; TOPMed 0.00014; 1000 Genomes Project 0.00020; 1000 Genomes Project 30x 0.00031; ExAC 0.00038.
gnomAD v4.1: 136 of 1,613,928 alleles (0.0084%); highest among the groups gnomAD compares: East Asian, 0.19%; 1 homozygote.

Submissions (3):

Labcorp Genetics (formerly Invitae), Labcorp
Classification: Likely benign. Last evaluated: 2025-08-25. Review status: criteria provided, single submitter. Criteria: Invitae Variant Classification Sherloc (09022015). Collection method: clinical testing. Allele origin: germline.

Ambry Genetics
Classification: Likely benign for Inborn genetic diseases. Last evaluated: 2023-05-22. Review status: criteria provided, single submitter. Criteria: Ambry Variant Classification Scheme 2023. Collection method: clinical testing. Allele origin: germline.

GeneDx
Classification: Uncertain significance. Last evaluated: 2020-06-15. Review status: criteria provided, single submitter. Criteria: GeneDx Variant Classification Process June 2021. Collection method: clinical testing. Allele origin: germline. Affected: yes.
Comment: In silico analysis supports that this missense variant has a deleterious effect on protein structure/function; Has not been previously published as pathogenic or benign to our knowledge